The following is an entry in ClinVar:

NM_001367624.2(ZNF469):c.11342C>A (p.Pro3781His)

Gene: ZNF469 (zinc finger protein 469; plus strand). Cytogenetic location: 16q24.2.
Variant type: single nucleotide variant.
Coding change: c.11342C>A on transcript NM_001367624.2 (MANE Select); coding-DNA position 11342, C replaced by A.
Protein change: p.Pro3781His; replaces proline 3781 with histidine.
Molecular consequence: missense variant.
Genome position (GRCh38, 1-based): chr16:88,438,812, C>A. VCF-style: chr16-88438812-C-A. GRCh37 (hg19) VCF-style: chr16-88505220-C-A.
Other names: NM_001127464.1:c.11258C>A; short protein forms P3781H.
Identifiers: ClinVar variation 1798803 (VCV001798803.4), dbSNP rs2507608834, ClinGen allele CA397129795.

ClinVar aggregate classification (germline): Uncertain significance. Review status: criteria provided, multiple submitters, no conflicts (2 of 4 stars). 2 submissions from 2 submitters: Uncertain significance (2). Last evaluated 2022-02-27.

Conditions:
Cardiovascular phenotype. Identifiers: MedGen CN230736.

gnomAD v4.1: 1 of 1,550,270 alleles (0.000065%); highest among the groups gnomAD compares: Non-Finnish European, 0.000087%; no homozygotes.

Submissions (2):

Labcorp Genetics (formerly Invitae), Labcorp
Classification: Uncertain significance. Last evaluated: 2022-02-27. Review status: criteria provided, single submitter. Criteria: Invitae Variant Classification Sherloc (09022015). Collection method: clinical testing. Allele origin: germline.
Comment: This sequence change replaces proline, which is neutral and non-polar, with histidine, which is basic and polar, at codon 3753 of the ZNF469 protein (p.Pro3753His). This variant is not present in population databases (gnomAD no frequency). This variant has not been reported in the literature in individuals affected with ZNF469-related conditions. Algorithms developed to predict the effect of missense changes on protein structure and function are either unavailable or do not agree on the potential impact of this missense change (SIFT: "Tolerated"; PolyPhen-2: "Possibly Damaging"; Align-GVGD: "Class C0"). In summary, the available evidence is currently insufficient to determine the role of this variant in disease. Therefore, it has been classified as a Variant of Uncertain Significance.

Ambry Genetics
Classification: Uncertain significance for Cardiovascular phenotype. Last evaluated: 2020-01-22. Review status: criteria provided, single submitter. Criteria: Ambry Variant Classification Scheme 2023. Collection method: clinical testing. Allele origin: germline.
Comment: The p.P3753H variant (also known as c.11258C>A), located in coding exon 2 of the ZNF469 gene, results from a C to A substitution at nucleotide position 11258. The proline at codon 3753 is replaced by histidine, an amino acid with similar properties. This amino acid position is poorly conserved in available vertebrate species. In addition, this alteration is predicted to be tolerated by in silico analysis. Since supporting evidence is limited at this time, the clinical significance of this alteration remains unclear.